The following is an entry in ClinVar:

ClinVar aggregate classification (germline): Pathogenic (1 of 4 stars; one submission).

Submission:

Ambry Genetics
Classification: Pathogenic. Last evaluated: 2025-11-13. Review status: criteria provided, single submitter. Criteria: Ambry Variant Classification Scheme 2023. Collection method: clinical testing. Allele origin: germline.
Comment: The c.43C>T (p.R15*) alteration, located in coding exon 1 of the LRRC7 gene, consists of a C to T substitution at nucleotide position 43. This changes the amino acid from an arginine (R) to a stop codon at amino acid position 15. This alteration is expected to result in loss of function by premature protein truncation or nonsense-mediated mRNA decay. This variant was not reported in population-based cohorts in the Genome Aggregation Database (gnomAD). Based on the available evidence, this alteration is classified as pathogenic.

NM_020794.2:c.43C>T

Gene: LRRC7 (leucine rich repeat containing 7; plus strand).
Variant type: single nucleotide variant.
Identifiers: ClinVar variation 4548003 (VCV004548003.1).